The following is an entry in ClinVar:

NM_004713.6(NEMF):c.600C>T (p.His200=)

Gene: NEMF (nuclear export mediator factor; minus strand). Cytogenetic location: 14q21.3.
Variant type: single nucleotide variant.
Coding change: c.600C>T on transcript NM_004713.6 (MANE Select); coding-DNA position 600, C replaced by T.
Protein change: p.His200=; no amino-acid change (histidine 200 retained).
Molecular consequence: synonymous variant.
Genome position (GRCh38, 1-based): chr14:49,834,424, G>A on the plus strand (C>T on the coding strand, the complement: NEMF is on the minus strand). VCF-style: chr14-49834424-G-A. GRCh37 (hg19) VCF-style: chr14-50301142-G-A.
Other names: c.600C>T, p.His200= (NM_001301732.3).
Identifiers: ClinVar variation 745859 (VCV000745859.21), dbSNP rs150902224, ClinGen allele CA7175596.
Genomic context (GRCh38, chr14:49,834,424, plus strand): 5'-TTTAGTTTCAAGTTTTTCATCCACTTTGACATTACCCGAGAATCCATTTTCTAAAAGACA[G>A]TGTTCAATGAGAGCTGGTCCATAGGCTATAAATGCAGAGGATATTACTTTTAGTATTTTC-3'
Protein context (NP_004704.3, residues 190-210): LLPYGPALIE[His200=]CLLENGFSGN

ClinVar aggregate classification (germline): Benign/Likely benign. Review status: criteria provided, multiple submitters, no conflicts (2 of 4 stars). 4 submissions from 4 submitters: Benign (2); Likely benign (1). 1 of the submissions does not count toward it. Last evaluated 2024-08-01.

Conditions:
NEMF-related disorder. Also called: NEMF-related condition.

Allele frequency attached by ClinVar (database versions not stated): 1000 Genomes Project 0.00020; 1000 Genomes Project 30x 0.00031; ESP Exome Variant Server 0.00046; TOPMed 0.00052; gnomAD 0.00073 and 0.00078; gnomAD exomes 0.00078 and 0.00088; ExAC 0.00111.
gnomAD v4.1: 1,260 of 1,606,176 alleles (0.078%); highest among the groups gnomAD compares: Non-Finnish European, 0.089%; 3 homozygotes.

Submissions (4):

CeGaT Center for Human Genetics Tuebingen
Classification: Likely benign. Last evaluated: 2024-08-01. Review status: criteria provided, single submitter. Criteria: CeGaT Center For Human Genetics Tuebingen Variant Classification Criteria Version 2. Collection method: clinical testing. Allele origin: germline. Affected: yes. Observed: 1 variant allele.
Comment: NEMF: BP4, BP7

Labcorp Genetics (formerly Invitae), Labcorp
Classification: Benign. Last evaluated: 2018-12-31. Review status: criteria provided, single submitter. Criteria: Invitae Variant Classification Sherloc (09022015). Collection method: clinical testing. Allele origin: germline.

Breakthrough Genomics
Classification: Benign. Review status: criteria provided, single submitter. Criteria: ACMG Guidelines, 2015. Collection method: not provided. Allele origin: germline. Inheritance: Autosomal recessive inheritance. Affected: yes.

PreventionGenetics, part of Exact Sciences
Classification: Likely benign for NEMF-related condition. Last evaluated: 2019-08-15. Review status: no assertion criteria provided. Collection method: clinical testing. Allele origin: germline. Not counted in ClinVar's aggregate classification.
Comment: This variant is classified as likely benign based on ACMG/AMP sequence variant interpretation guidelines (Richards et al. 2015 PMID: 25741868, with internal and published modifications).